The following is an entry in ClinVar:

NM_001401501.2(MUC16):c.23667C>T (p.Ser7889=)

Gene: MUC16 (mucin 16, cell surface associated; minus strand). Cytogenetic location: 19p13.2.
Variant type: single nucleotide variant.
Coding change: c.23667C>T on transcript NM_001401501.2 (MANE Select); coding-DNA position 23667, C replaced by T.
Protein change: p.Ser7889=; no amino-acid change (serine 7889 retained).
Molecular consequence: synonymous variant.
Genome position (GRCh38, 1-based): chr19:8,953,223, G>A on the plus strand (C>T on the coding strand, the complement: MUC16 is on the minus strand). VCF-style: chr19-8953223-G-A. GRCh37 (hg19) VCF-style: chr19-9063899-G-A.
Other names: c.24093C>T, p.Ser8031= (NM_001414686.1); c.23547C>T, p.Ser7849= (NM_001414687.1, NM_024690.2).
Identifiers: ClinVar variation 2649244 (VCV002649244.24), dbSNP rs2512986366, ClinGen allele CA505441520.

ClinVar aggregate classification (germline): Likely benign (1 of 4 stars; one submission).

Submission:

CeGaT Center for Human Genetics Tuebingen
Classification: Likely benign. Last evaluated: 2022-09-01. Review status: criteria provided, single submitter. Criteria: CeGaT Center For Human Genetics Tuebingen Variant Classification Criteria Version 2. Collection method: clinical testing. Allele origin: germline. Affected: yes. Observed: 1 variant allele.
Comment: MUC16: PM2:Supporting, BP4, BP7